The following is an entry in ClinVar:

ClinVar aggregate classification (germline): Uncertain significance (1 of 4 stars; one submission).

Conditions:
Congenital brain dysgenesis due to glutamine synthetase deficiency (GLND). Also called: GLUTAMINE SYNTHASE DEFICIENCY, CONGENITAL SYSTEMIC. Identifiers: Orphanet 71278, MedGen C1864910, MONDO:0012393, OMIM 610015.

Allele frequency attached by ClinVar (database versions not stated): ExAC 0.00001; gnomAD 0.00001; gnomAD exomes 0.00001; TOPMed 0.00001.
gnomAD v4.1: 9 of 1,613,786 alleles (0.00056%); highest among the groups gnomAD compares: Non-Finnish European, 0.00034%; no homozygotes.

Submission:

Labcorp Genetics (formerly Invitae), Labcorp
Classification: Uncertain significance for Congenital brain dysgenesis due to glutamine synthetase deficiency. Last evaluated: 2023-10-03. Review status: criteria provided, single submitter. Criteria: Invitae Variant Classification Sherloc (09022015). Collection method: clinical testing. Allele origin: germline.
Comment: This sequence change replaces arginine, which is basic and polar, with histidine, which is basic and polar, at codon 341 of the GLUL protein (p.Arg341His). This variant is present in population databases (rs753270381, gnomAD 0.004%). This variant has not been reported in the literature in individuals affected with GLUL-related conditions. ClinVar contains an entry for this variant (Variation ID: 957224). Advanced modeling of protein sequence and biophysical properties (such as structural, functional, and spatial information, amino acid conservation, physicochemical variation, residue mobility, and thermodynamic stability) performed at Invitae indicates that this missense variant is expected to disrupt GLUL protein function. This variant disrupts the p.Arg341 amino acid residue in GLUL. Other variant(s) that disrupt this residue have been observed in individuals with GLUL-related conditions (Invitae), which suggests that this may be a clinically significant amino acid residue. In summary, the available evidence is currently insufficient to determine the role of this variant in disease. Therefore, it has been classified as a Variant of Uncertain Significance.

NM_001033044.4(GLUL):c.1022G>A (p.Arg341His)

Gene: GLUL (glutamate-ammonia ligase; minus strand). Cytogenetic location: 1q25.3.
Variant type: single nucleotide variant.
Coding change: c.1022G>A on transcript NM_001033044.4 (MANE Select); coding-DNA position 1022, G replaced by A.
Protein change: p.Arg341His; replaces arginine 341 with histidine.
Molecular consequence: missense variant.
Genome position (GRCh38, 1-based): chr1:182,384,505, C>T on the plus strand (G>A on the coding strand, the complement: GLUL is on the minus strand). VCF-style: chr1-182384505-C-T. GRCh37 (hg19) VCF-style: chr1-182353640-C-T.
Other names: c.1022G>A, p.Arg341His (NM_001033056.4, NM_002065.7); short protein forms R341H.
Identifiers: ClinVar variation 957224 (VCV000957224.9), dbSNP rs753270381, ClinGen allele CA1276979.